The following is an entry in ClinVar:

NM_001009944.3(PKD1):c.11588dup (p.His3864fs)

Genes: PKD1 (polycystin 1, transient receptor potential channel interacting; minus strand), PKD1-AS1 (PKD1 antisense RNA 1; plus strand). Cytogenetic location: 16p13.3.
Variant type: Duplication.
Coding change: c.11588dup on transcript NM_001009944.3 (MANE Select); coding-DNA position 11588, one base duplicated (T; older notation c.11588dupT).
Protein change: p.His3864fs; shifts the reading frame from histidine 3864.
Molecular consequence: frameshift variant. On other transcripts: non-coding transcript variant (1).
Genome position (GRCh38, 1-based): chr16:2,091,547, A duplicated on the plus strand (T on the coding strand, the reverse complement: PKD1 is on the minus strand). VCF-style (leftmost placement, unchanged base first): chr16-2091546-C-CA. GRCh37 (hg19) VCF-style: chr16-2141547-C-CA.
Other names: c.11588dupT (NM_001009944.3); c.11585dup, p.His3863fs (NM_000296.4); short protein forms H3863fs, H3864fs.
Identifiers: ClinVar variation 4687150 (VCV004687150.1).

ClinVar aggregate classification (germline): Pathogenic (1 of 4 stars; one submission).

Conditions:
Polycystic kidney disease, adult type (PKD1). Also called: Polycystic Kidney, Autosomal Dominant; Polycystic Kidney Disease 1, Autosomal Dominant; Polycystic kidney disease 1; Polycystic kidney disease 1, severe; POLYCYSTIC KIDNEY DISEASE, ADULT, TYPE I; POLYCYSTIC KIDNEY DISEASE 1 WITH OR WITHOUT POLYCYSTIC LIVER DISEASE. Identifiers: MedGen C3149841, MONDO:0008263, OMIM 173900.

Submission:

Women's Health and Genetics/Laboratory Corporation of America, LabCorp
Classification: Pathogenic for Polycystic kidney disease, adult type. Last evaluated: 2025-10-21. Review status: criteria provided, single submitter. Criteria: LabCorp Variant Classification Summary - May 2015. Collection method: clinical testing. Allele origin: germline.
Comment: Variant summary: PKD1 c.11588dupT (p.His3864AlafsX97) results in a premature termination codon, predicted to cause a truncation of the encoded protein or absence of the protein due to nonsense mediated decay, which are commonly known mechanisms for disease. The frequency data for this variant in gnomAD is considered unreliable, as metrics indicate poor data quality at this position. c.11588dupT has been observed in individual(s) affected with Polycystic Kidney Disease 1 (example: Audrzet_2012). The following publication have been ascertained in the context of this evaluation (PMID: 22508176). No submitters have cited clinical-significance assessments for this variant to ClinVar. Based on the evidence outlined above, the variant was classified as pathogenic.

Literature cited by the submitters: PubMed 22508176.